The following is an entry in ClinVar:

NM_004281.4(BAG3):c.565_588del (p.Pro189_Leu196del)

Gene: BAG3 (BAG cochaperone 3; plus strand). Cytogenetic location: 10q26.11.
Variant type: Deletion.
Coding change: c.565_588del on transcript NM_004281.4 (MANE Select); coding-DNA positions 565 to 588, 24 bases deleted (CCTTCCTCCGGCAGGAGCAGCCTG).
Protein change: p.Pro189_Leu196del.
Molecular consequence: inframe deletion.
Genome position (GRCh38, 1-based): chr10:119,672,312-119,672,335, CCTTCCTCCGGCAGGAGCAGCCTG deleted; deleting any 24 consecutive bases within chr10:119,672,305-119,672,335 gives the same sequence; the c. name uses the placement nearest the transcript's 3' end. VCF-style (leftmost placement, unchanged base first): chr10-119672304-CCAGCCTGCCTTCCTCCGGCAGGAG-C. GRCh37 (hg19) VCF-style: chr10-121431816-CCAGCCTGCCTTCCTCCGGCAGGAG-C.
Identifiers: ClinVar variation 2944263 (VCV002944263.3), dbSNP rs1847161461, ClinGen allele CA1940193132.

ClinVar aggregate classification (germline): Uncertain significance (1 of 4 stars; one submission).

Conditions:
Dilated cardiomyopathy 1HH (CMD1HH). Identifiers: Orphanet 154, MedGen C3151293, MONDO:0013479, OMIM 613881.
Myofibrillar myopathy 6. Identifiers: Orphanet 199340, MedGen C2751831, MONDO:0013061, OMIM 612954.

Submission:

Labcorp Genetics (formerly Invitae), Labcorp
Classification: Uncertain significance for Dilated cardiomyopathy 1HH; Myofibrillar myopathy 6. Last evaluated: 2023-03-06. Review status: criteria provided, single submitter. Criteria: Invitae Variant Classification Sherloc (09022015). Collection method: clinical testing. Allele origin: germline.
Comment: Experimental studies and prediction algorithms are not available or were not evaluated, and the functional significance of this variant is currently unknown. In summary, the available evidence is currently insufficient to determine the role of this variant in disease. Therefore, it has been classified as a Variant of Uncertain Significance. This variant has not been reported in the literature in individuals affected with BAG3-related conditions. This variant, c.565_588del, results in the deletion of 8 amino acid(s) of the BAG3 protein (p.Pro189_Leu196del), but otherwise preserves the integrity of the reading frame. This variant is not present in population databases (gnomAD no frequency).